The following is an entry in ClinVar:

NM_001369.3(DNAH5):c.3529C>T (p.Gln1177Ter)

Genes: DNAH5 (dynein axonemal heavy chain 5; minus strand), DNAH5-AS1 (DNAH5 antisense RNA 1; plus strand). Cytogenetic location: 5p15.2.
Variant type: single nucleotide variant.
Coding change: c.3529C>T on transcript NM_001369.3 (MANE Select); coding-DNA position 3529, C replaced by T.
Protein change: p.Gln1177Ter; replaces glutamine 1177 with a stop codon.
Molecular consequence: nonsense.
Genome position (GRCh38, 1-based): chr5:13,871,633, G>A on the plus strand (C>T on the coding strand, the complement: DNAH5 is on the minus strand). VCF-style: chr5-13871633-G-A. GRCh37 (hg19) VCF-style: chr5-13871742-G-A.
Other names: short protein forms Q1177*.
Identifiers: ClinVar variation 1074724 (VCV001074724.7), dbSNP rs1050312639, ClinGen allele CA113982083.

ClinVar aggregate classification (germline): Pathogenic (1 of 4 stars; one submission).

Conditions:
Primary ciliary dyskinesia. Also called: Ciliary dyskinesia. Identifiers: Orphanet 244, MedGen C0008780, MONDO:0016575, HP:0012265.

Allele frequency attached by ClinVar (database versions not stated): gnomAD exomes below 0.00001; gnomAD 0.00001; TOPMed 0.00001.
gnomAD v4.1: 3 of 1,613,596 alleles (0.00019%); highest among the groups gnomAD compares: African/African-American, 0.0027%; no homozygotes.

Submission:

Labcorp Genetics (formerly Invitae), Labcorp
Classification: Pathogenic for Primary ciliary dyskinesia. Last evaluated: 2025-07-03. Review status: criteria provided, single submitter. Criteria: Invitae Variant Classification Sherloc (09022015). Collection method: clinical testing. Allele origin: germline.
Comment: This sequence change creates a premature translational stop signal (p.Gln1177*) in the DNAH5 gene. It is expected to result in an absent or disrupted protein product. Loss-of-function variants in DNAH5 are known to be pathogenic (PMID: 11788826, 16627867). This variant is present in population databases (no rsID available, gnomAD 0.007%). This variant has not been reported in the literature in individuals affected with DNAH5-related conditions. ClinVar contains an entry for this variant (Variation ID: 1074724). Algorithms developed to predict the effect of sequence changes on RNA splicing suggest that this variant may disrupt the consensus splice site. For these reasons, this variant has been classified as Pathogenic.

Literature cited by the submitters: PubMed 11788826; PubMed 16627867.